The following is an entry in ClinVar:

ClinVar aggregate classification (germline): Uncertain significance. Review status: criteria provided, multiple submitters, no conflicts (2 of 4 stars). 3 submissions from 3 submitters: Uncertain significance (3). Last evaluated 2024-11-05.

Conditions:
Inborn genetic diseases. Identifiers: MedGen C0950123, MeSH D030342.
Myoclonic dystonia 26. Identifiers: MedGen C4225341, MONDO:0014620, OMIM 616398.

Allele frequency attached by ClinVar (database versions not stated): gnomAD exomes 0.00003; gnomAD 0.00005; TOPMed 0.00006.

Submissions (3):

Labcorp Genetics (formerly Invitae), Labcorp
Classification: Uncertain significance for Myoclonic dystonia 26. Last evaluated: 2024-11-05. Review status: criteria provided, single submitter. Criteria: Invitae Variant Classification Sherloc (09022015). Collection method: clinical testing. Allele origin: germline.
Comment: This sequence change replaces threonine, which is neutral and polar, with methionine, which is neutral and non-polar, at codon 213 of the KCTD17 protein (p.Thr213Met). The frequency data for this variant in the population databases is considered unreliable, as metrics indicate poor data quality at this position in the gnomAD database. This variant has not been reported in the literature in individuals affected with KCTD17-related conditions. ClinVar contains an entry for this variant (Variation ID: 2037840). Invitae Evidence Modeling of protein sequence and biophysical properties (such as structural, functional, and spatial information, amino acid conservation, physicochemical variation, residue mobility, and thermodynamic stability) indicates that this missense variant is not expected to disrupt KCTD17 protein function with a negative predictive value of 80%. In summary, the available evidence is currently insufficient to determine the role of this variant in disease. Therefore, it has been classified as a Variant of Uncertain Significance.

Women's Health and Genetics/Laboratory Corporation of America, LabCorp
Classification: Uncertain significance. Last evaluated: 2024-10-29. Review status: criteria provided, single submitter. Criteria: LabCorp Variant Classification Summary - May 2015. Collection method: clinical testing. Allele origin: germline.
Comment: Variant summary: KCTD17 c.617C>T (p.Thr206Met) results in a non-conservative amino acid change in the encoded protein sequence. Two of four in-silico tools predict a benign effect of the variant on protein function. The variant allele was found at a frequency of 3.1e-05 in 1510982 control chromosomes. Although this frequency is not significantly higher than estimated for a pathogenic variant in KCTD17 causing Myoclonic Dystonia 26, it does provide evidence the variant could be benign. To our knowledge, no occurrence of c.617C>T in individuals affected with Myoclonic Dystonia 26 and no experimental evidence demonstrating its impact on protein function have been reported. ClinVar contains an entry for this variant (Variation ID: 2037840). Based on the evidence outlined above, the variant was classified as VUS-possibly benign.

Ambry Genetics
Classification: Uncertain significance for Inborn genetic diseases. Last evaluated: 2022-04-07. Review status: criteria provided, single submitter. Criteria: Ambry Variant Classification Scheme 2023. Collection method: clinical testing. Allele origin: germline.

NM_001282684.2(KCTD17):c.617C>T (p.Thr206Met)

Gene: KCTD17 (potassium channel tetramerization domain containing 17; plus strand). Cytogenetic location: 22q12.3.
Variant type: single nucleotide variant.
Coding change: c.617C>T on transcript NM_001282684.2 (MANE Select); coding-DNA position 617, C replaced by T.
Protein change: p.Thr206Met; replaces threonine 206 with methionine.
Molecular consequence: missense variant. On other transcripts: intron variant (2).
Genome position (GRCh38, 1-based): chr22:37,060,827, C>T. VCF-style: chr22-37060827-C-T. GRCh37 (hg19) VCF-style: chr22-37456867-C-T.
Other names: c.617C>T, p.Thr206Met (NM_024681.4); c.613-712C>T (NM_001282685.2); c.612+1389C>T (NM_001282686.2); short protein forms T206M.
Identifiers: ClinVar variation 2037840 (VCV002037840.6), dbSNP rs763707679, ClinGen allele CA324037029.